The following is an entry in ClinVar:

ClinVar aggregate classification (germline): Pathogenic (1 of 4 stars; one submission).

Submission:

Labcorp Genetics (formerly Invitae), Labcorp
Classification: Pathogenic. Last evaluated: 2025-08-11. Review status: criteria provided, single submitter. Criteria: Invitae Variant Classification Sherloc (09022015). Collection method: clinical testing. Allele origin: germline.
Comment: This sequence change creates a premature translational stop signal (p.Gln1072*) in the PIK3C2A gene. It is expected to result in an absent or disrupted protein product. Loss-of-function variants in PIK3C2A are known to be pathogenic (PMID: 31034465). This variant is not present in population databases (gnomAD no frequency). This variant has not been reported in the literature in individuals affected with PIK3C2A-related conditions. For these reasons, this variant has been classified as Pathogenic.

Literature cited by the submitters: PubMed 31034465.

NM_002645.4(PIK3C2A):c.3214C>T (p.Gln1072Ter)

Gene: PIK3C2A (phosphatidylinositol-4-phosphate 3-kinase catalytic subunit type 2 alpha; minus strand). Cytogenetic location: 11p15.1.
Variant type: single nucleotide variant.
Coding change: c.3214C>T on transcript NM_002645.4 (MANE Select); coding-DNA position 3214, C replaced by T.
Protein change: p.Gln1072Ter; replaces glutamine 1072 with a stop codon.
Molecular consequence: nonsense.
Genome position (GRCh38, 1-based): chr11:17,117,493, G>A on the plus strand (C>T on the coding strand, the complement: PIK3C2A is on the minus strand). VCF-style: chr11-17117493-G-A. GRCh37 (hg19) VCF-style: chr11-17139040-G-A.
Other names: c.3214C>T, p.Gln1072Ter (NM_001321378.2); c.2074C>T, p.Gln692Ter (NM_001321380.2); c.3046C>T, p.Gln1016Ter (NM_001386870.1); short protein forms Q1016*, Q1072*, Q692*.
Identifiers: ClinVar variation 4806420 (VCV004806420.1).